The following is an entry in ClinVar:

ClinVar aggregate classification (germline): Conflicting classifications of pathogenicity. Review status: criteria provided, conflicting classifications (1 of 4 stars). 3 submissions from 3 submitters: Uncertain significance (2); Likely benign (1). Last evaluated 2025-05-30.

Conditions:
Episodic ataxia type 2 (EA2). Also called: ATAXIA, EPISODIC, WITH NYSTAGMUS; ATAXIA, FAMILIAL PAROXYSMAL; CEREBELLAR ATAXIA, PAROXYSMAL, ACETAZOLAMIDE-RESPONSIVE; CEREBELLOPATHY, HEREDITARY PAROXYSMAL; EPISODIC ATAXIA, NYSTAGMUS-ASSOCIATED; ACETAZOLAMIDE-RESPONSIVE HEREDITARY PAROXYSMAL CEREBELLAR ATAXIA. Identifiers: Orphanet 97, MedGen C1720416, MONDO:0007163, OMIM 108500.
Developmental and epileptic encephalopathy, 42 (DEE42A). Also called: Epileptic encephalopathy, early infantile, 42; DEVELOPMENTAL AND EPILEPTIC ENCEPHALOPATHY 42A; EPILEPTIC ENCEPHALOPATHY, EARLY INFANTILE, 42A. Identifiers: MedGen C4310716, MONDO:0014917, OMIM 617106.

Allele frequency attached by ClinVar (database versions not stated): gnomAD exomes 0.00001 and 0.00002; TOPMed 0.00001; gnomAD 0.00003; ExAC 0.00010.
gnomAD v4.1: 15 of 1,511,088 alleles (0.00099%); highest among the groups gnomAD compares: South Asian, 0.0037%; no homozygotes.

Submissions (3):

GeneDx
Classification: Uncertain significance. Last evaluated: 2025-05-30. Review status: criteria provided, single submitter. Criteria: GeneDx Variant Classification Process June 2021. Collection method: clinical testing. Allele origin: germline. Affected: yes.
Comment: Reported previously as a heterozygous variant of uncertain significance in a patient with seizures and developmental delay (PMID: 36801247); In silico analysis suggests that this missense variant does not alter protein structure/function; This variant is associated with the following publications: (PMID: 36801247)

Labcorp Genetics (formerly Invitae), Labcorp
Classification: Likely benign for Developmental and epileptic encephalopathy, 42; Episodic ataxia type 2. Last evaluated: 2025-01-21. Review status: criteria provided, single submitter. Criteria: Invitae Variant Classification Sherloc (09022015). Collection method: clinical testing. Allele origin: germline.

Neuberg Centre For Genomic Medicine, NCGM
Classification: Uncertain significance for Developmental and epileptic encephalopathy, 42. Review status: criteria provided, single submitter. Criteria: ACMG Guidelines, 2015. Collection method: clinical testing. Allele origin: germline. Affected: yes.
Comment: The missense variant p.A961V in CACNA1A (NM_001127221.1) has been previusly reported in ClinVar as a variant of uncertain significance. The missense variant c.2882C>T (p.A961V) in CACNA1A (NM_001127221.1) is observed in 1/19310 (0.0052%) alleles from individuals of South Asian background in the gnomAD dataset (Exome Aggregation Consortium et al, 2016), but was not seen in the homozygous state. The p.A961V missense variant is predicted to be tolerated by both SIFT or PolyPhen2. The nucleotide c.2882 in CACNA1A is not conserved according to a GERP++ and PhyloP analysis of 100 vertebrates. For these reasons, this variant has been classified as Uncertain Significance.

NM_001127222.2(CACNA1A):c.2879C>T (p.Ala960Val)

Gene: CACNA1A (calcium voltage-gated channel subunit alpha1 A; minus strand). Cytogenetic location: 19p13.13.
Variant type: single nucleotide variant.
Coding change: c.2879C>T on transcript NM_001127222.2 (MANE Select); coding-DNA position 2879, C replaced by T.
Protein change: p.Ala960Val; replaces alanine 960 with valine.
Molecular consequence: missense variant.
Genome position (GRCh38, 1-based): chr19:13,298,754, G>A on the plus strand (C>T on the coding strand, the complement: CACNA1A is on the minus strand). VCF-style: chr19-13298754-G-A. GRCh37 (hg19) VCF-style: chr19-13409568-G-A.
Other names: c.2891C>T, p.Ala964Val (NM_000068.4, NM_023035.3); c.2882C>T, p.Ala961Val (NM_001127221.2, NM_001174080.2); short protein forms A961V, A964V, A960V.
Identifiers: ClinVar variation 426649 (VCV000426649.15), dbSNP rs762396014, ClinGen allele CA9240455.
Genomic context (GRCh38, chr19:13,298,754, plus strand): 5'-CGGTGCCGCGCCCTCCGCTCCGCCTTGTCCTCCGGACCCTCCTCCCCGGGCCTGCGGTGC[G>A]CGCGATGACGTCGATGCTCCCCGTCCGCGCCCGTGCGCGGGGACCCGCTGCGGCTCTCCC-3'
Protein context (NP_001120694.1, residues 950-970): GADGEHRRHR[Ala960Val]HRRPGEEGPE